The following is an entry in ClinVar:

ClinVar aggregate classification (germline): Likely benign. Review status: criteria provided, multiple submitters, no conflicts (2 of 4 stars). 4 submissions from 4 submitters: Likely benign (4). Last evaluated 2025-07-09.

Conditions:
Inborn genetic diseases. Identifiers: MedGen C0950123, MeSH D030342.

Allele frequency attached by ClinVar (database versions not stated): gnomAD exomes 0.00004 and 0.00010; ExAC 0.00005; gnomAD 0.00005; TOPMed 0.00007; ESP Exome Variant Server 0.00009.
gnomAD v4.1: 117 of 1,207,376 alleles (0.0097%); highest among the groups gnomAD compares: Non-Finnish European, 0.012%; no homozygotes.

Submissions (4):

Labcorp Genetics (formerly Invitae), Labcorp
Classification: Likely benign. Last evaluated: 2025-07-09. Review status: criteria provided, single submitter. Criteria: Invitae Variant Classification Sherloc (09022015). Collection method: clinical testing. Allele origin: germline.

Blueprint Genetics
Classification: Likely benign. Last evaluated: 2024-02-15. Review status: criteria provided, single submitter. Criteria: ACMG Guidelines, 2015. Collection method: clinical testing. Allele origin: germline.

GeneDx
Classification: Likely benign. Last evaluated: 2020-07-17. Review status: criteria provided, single submitter. Criteria: GeneDx Variant Classification Process June 2021. Collection method: clinical testing. Allele origin: germline. Affected: yes.
Comment: See Variant Classification Assertion Criteria.

Ambry Genetics
Classification: Likely benign for Inborn genetic diseases. Last evaluated: 2018-11-28. Review status: criteria provided, single submitter. Criteria: Ambry Variant Classification Scheme 2023. Collection method: clinical testing. Allele origin: germline.

NM_007325.5(GRIA3):c.285G>A (p.Ser95=)

Gene: GRIA3 (glutamate ionotropic receptor AMPA type subunit 3; plus strand). Cytogenetic location: Xq25.
Variant type: single nucleotide variant.
Coding change: c.285G>A on transcript NM_007325.5 (MANE Select); coding-DNA position 285, G replaced by A.
Protein change: p.Ser95=; no amino-acid change (serine 95 retained).
Molecular consequence: synonymous variant.
Genome position (GRCh38, 1-based): chrX:123,253,319, G>A. VCF-style: chrX-123253319-G-A. GRCh37 (hg19) VCF-style: chrX-122387170-G-A.
Other names: c.285G>A, p.Ser95= (NM_000828.5).
Identifiers: ClinVar variation 1606462 (VCV001606462.13), dbSNP rs368530347, ClinGen allele CA10506879.
Genomic context (GRCh38, chrX:123,253,319, plus strand): 5'-GGACCATGGAGCTATTGAATCTTTTTCTCTTTTTCTCATTGCAGTCTGCTCCCAGTTCTC[G>A]AGAGGGGTGTATGCCATCTTTGGATTCTATGACCAGATGTCAATGAACACCCTGACCTCC-3'
Protein context (NP_015564.5, residues 85-105): SVTNAFCSQF[Ser95=]RGVYAIFGFY